The following is an entry in ClinVar:

ClinVar aggregate classification (germline): Uncertain significance (1 of 4 stars; one submission).

Submission:

GeneDx
Classification: Uncertain significance. Last evaluated: 2024-09-23. Review status: criteria provided, single submitter. Criteria: GeneDx Variant Classification Process June 2021. Collection method: clinical testing. Allele origin: germline. Affected: yes.
Comment: Not observed at significant frequency in large population cohorts (gnomAD); In silico analysis supports that this missense variant has a deleterious effect on protein structure/function; Has not been previously published as pathogenic or benign to our knowledge

NM_031418.4(ANO3):c.1506C>A (p.Asp502Glu)

Gene: ANO3 (anoctamin 3; plus strand). Cytogenetic location: 11p14.2.
Variant type: single nucleotide variant.
Coding change: c.1506C>A on transcript NM_031418.4 (MANE Select); coding-DNA position 1506, C replaced by A.
Protein change: p.Asp502Glu; replaces aspartic acid 502 with glutamic acid.
Molecular consequence: missense variant.
Genome position (GRCh38, 1-based): chr11:26,598,423, C>A. VCF-style: chr11-26598423-C-A. GRCh37 (hg19) VCF-style: chr11-26619970-C-A.
Other names: c.1689C>A, p.Asp563Glu (NM_001313726.2); c.1068C>A, p.Asp356Glu (NM_001313727.2); short protein forms D356E, D502E, D563E.
Identifiers: ClinVar variation 3774307 (VCV003774307.1).